The following is an entry in ClinVar:

NM_022455.5(NSD1):c.927+17A>G

Gene: NSD1 (nuclear receptor binding SET domain protein 1; plus strand). Cytogenetic location: 5q35.3.
Variant type: single nucleotide variant.
Coding change: c.927+17A>G on transcript NM_022455.5 (MANE Select); 17 bases into the intron after coding-DNA position 927, A replaced by G.
Molecular consequence: intron variant.
Genome position (GRCh38, 1-based): chr5:177,136,047, A>G. VCF-style: chr5-177136047-A-G. GRCh37 (hg19) VCF-style: chr5-176563048-A-G.
Other names: c.927+17A>G (NM_001409301.1, NM_001409302.1, NM_001409303.1); c.507+17A>G (NM_001409304.1); c.54+17A>G (NM_001409305.1, NM_001409306.1, NM_001409308.1 and 4 more transcripts).
Identifiers: ClinVar variation 3712251 (VCV003712251.2).

ClinVar aggregate classification (germline): Uncertain significance (1 of 4 stars; one submission).

Submission:

Labcorp Genetics (formerly Invitae), Labcorp
Classification: Uncertain significance. Last evaluated: 2022-11-26. Review status: criteria provided, single submitter. Criteria: Invitae Variant Classification Sherloc (09022015). Collection method: clinical testing. Allele origin: germline.
Comment: This sequence change falls in intron 2 of the NSD1 gene. It does not directly change the encoded amino acid sequence of the NSD1 protein. This variant is not present in population databases (gnomAD no frequency). This variant has not been reported in the literature in individuals affected with NSD1-related conditions. Algorithms developed to predict the effect of sequence changes on RNA splicing suggest that this variant may disrupt the consensus splice site. In summary, the available evidence is currently insufficient to determine the role of this variant in disease. Therefore, it has been classified as a Variant of Uncertain Significance.